The following is an entry in ClinVar:

NM_015488.5(PNKD):c.1010G>A (p.Arg337His)

Genes: CATIP-AS2 (CATIP antisense RNA 2; minus strand), PNKD (PNKD metallo-beta-lactamase domain containing; plus strand). Cytogenetic location: 2q35.
Variant type: single nucleotide variant.
Coding change: c.1010G>A on transcript NM_015488.5 (MANE Select); coding-DNA position 1010, G replaced by A.
Protein change: p.Arg337His; replaces arginine 337 with histidine.
Molecular consequence: missense variant.
Genome position (GRCh38, 1-based): chr2:218,344,833, G>A. VCF-style: chr2-218344833-G-A. GRCh37 (hg19) VCF-style: chr2-219209556-G-A.
Other names: c.938G>A, p.Arg313His (NM_022572.5); short protein forms R337H, R313H.
Identifiers: ClinVar variation 193719 (VCV000193719.15), dbSNP rs374137801, ClinGen allele CA239328.

ClinVar aggregate classification (germline): Uncertain significance. Review status: criteria provided, multiple submitters, no conflicts (2 of 4 stars). 3 submissions from 3 submitters: Uncertain significance (3). Last evaluated 2024-03-05.

Conditions:
Paroxysmal nonkinesigenic dyskinesia. Also called: Paroxysmal non-kinesigenic dyskinesia. Identifiers: Orphanet 98810, MedGen C1869117, MONDO:0700088.
Paroxysmal nonkinesigenic dyskinesia 1 (PNKD1). Also called: DYSTONIA 8; MOUNT-REBACK SYNDROME; PAROXYSMAL DYSTONIC CHOREOATHETOSIS; PxMD-PNKD; Familial Paroxysmal Nonkinesigenic Dyskinesia; Nonkinesigenic choreoathetosis. Identifiers: Orphanet 98810, MedGen C4551506, MONDO:0700089, OMIM 118800, MONDO:0007326.

Allele frequency attached by ClinVar (database versions not stated): gnomAD 0.00003 and 0.00004; gnomAD exomes 0.00003 and 0.00008; ExAC 0.00005; TOPMed 0.00005; ESP Exome Variant Server 0.00008.
gnomAD v4.1: 54 of 1,613,782 alleles (0.0033%); highest among the groups gnomAD compares: South Asian, 0.032%; no homozygotes.

Submissions (3):

Fulgent Genetics
Classification: Uncertain significance for Paroxysmal nonkinesigenic dyskinesia 1. Last evaluated: 2024-03-05. Review status: criteria provided, single submitter. Criteria: ACMG Guidelines, 2015. Collection method: clinical testing. Allele origin: germline.

Labcorp Genetics (formerly Invitae), Labcorp
Classification: Uncertain significance for Paroxysmal nonkinesigenic dyskinesia. Last evaluated: 2024-01-22. Review status: criteria provided, single submitter. Criteria: Invitae Variant Classification Sherloc (09022015). Collection method: clinical testing. Allele origin: germline.
Comment: This sequence change replaces arginine, which is basic and polar, with histidine, which is basic and polar, at codon 337 of the PNKD protein (p.Arg337His). This variant is present in population databases (rs374137801, gnomAD 0.05%), and has an allele count higher than expected for a pathogenic variant. This variant has not been reported in the literature in individuals affected with PNKD-related conditions. ClinVar contains an entry for this variant (Variation ID: 193719). Advanced modeling of protein sequence and biophysical properties (such as structural, functional, and spatial information, amino acid conservation, physicochemical variation, residue mobility, and thermodynamic stability) performed at Invitae indicates that this missense variant is not expected to disrupt PNKD protein function with a negative predictive value of 80%. In summary, the available evidence is currently insufficient to determine the role of this variant in disease. Therefore, it has been classified as a Variant of Uncertain Significance.

Eurofins Ntd Llc (ga)
Classification: Uncertain significance. Last evaluated: 2015-05-29. Review status: criteria provided, single submitter. Criteria: EGL Classification Definitions 2015. Collection method: clinical testing. Allele origin: germline. Observed: 1 variant allele, 1 heterozygote.